The following is an entry in ClinVar:

ClinVar aggregate classification (germline): Likely pathogenic (1 of 4 stars; one submission).

Submission:

Labcorp Genetics (formerly Invitae), Labcorp
Classification: Likely pathogenic. Last evaluated: 2023-07-21. Review status: criteria provided, single submitter. Criteria: Invitae Variant Classification Sherloc (09022015). Collection method: clinical testing. Allele origin: germline.
Comment: In summary, the currently available evidence indicates that the variant is pathogenic, but additional data are needed to prove that conclusively. Therefore, this variant has been classified as Likely Pathogenic. Algorithms developed to predict the effect of sequence changes on RNA splicing suggest that this variant may disrupt the consensus splice site. ClinVar contains an entry for this variant (Variation ID: 1063117). This variant has not been reported in the literature in individuals affected with AHR-related conditions. This variant is not present in population databases (gnomAD no frequency). This sequence change affects an acceptor splice site in intron 5 of the AHR gene. It is expected to disrupt RNA splicing. Variants that disrupt the donor or acceptor splice site typically lead to a loss of protein function (PMID: 16199547), and loss-of-function variants in AHR are known to be pathogenic (PMID: 24106308, 28851966, 29726989, 31009037).

Literature cited by the submitters: PubMed 16199547; PubMed 24106308; PubMed 28851966; PubMed 29726989; PubMed 31009037.

NM_001621.5(AHR):c.575-2A>G

Gene: AHR (aryl hydrocarbon receptor; plus strand). Cytogenetic location: 7p21.1.
Variant type: single nucleotide variant.
Coding change: c.575-2A>G on transcript NM_001621.5 (MANE Select); the canonical splice acceptor site of the intron before coding-DNA position 575, A replaced by G.
Molecular consequence: splice acceptor variant.
Genome position (GRCh38, 1-based): chr7:17,330,754, A>G. VCF-style: chr7-17330754-A-G. GRCh37 (hg19) VCF-style: chr7-17370378-A-G.
Identifiers: ClinVar variation 1063117 (VCV001063117.7), dbSNP rs2115364513, ClinGen allele CA366891621.
Genomic context (GRCh38, chr7:17,330,754, plus strand): 5'-TTCAAGTGCTTAATTTTACAGCAAAATGGAAAGTAAATTTTGTTTTGCCTTTATTTCTAC[A>G]GAAGCCACTGGTCTCCCCCAGACAGTAGTCTGTTATAACCCAGACCAGATTCCTCCAGAA-3'